The following is an entry in ClinVar:

ClinVar aggregate classification (germline): Likely pathogenic (1 of 4 stars; one submission).

Conditions:
Hypophosphatasia. Also called: Phosphoethanol-aminuria. Identifiers: Orphanet 436, MedGen C0020630, MeSH D007014, MONDO:0018570.

Submission:

Myriad Genetics, Inc.
Classification: Likely pathogenic for Hypophosphatasia. Last evaluated: 2022-03-17. Review status: criteria provided, single submitter. Criteria: Myriad Autosomal Dominant, Autosomal Recessive and X-Linked Classification Criteria (2023). Collection method: clinical testing. Allele origin: unknown.
Comment: NM_000478.4(ALPL):c.907_908insCACG(N303Tfs*36) is expected to be pathogenic in the context of hypophosphatasia. This variant is predicted to lead to an abnormal or absent protein product due to the creation of a premature termination codon in ALPL, a gene where loss-of-function variants are known to be pathogenic. Please note: this variant was assessed in the context of healthy population screening.

NM_000478.6(ALPL):c.907_908insCACG (p.Asn303fs)

Gene: ALPL (alkaline phosphatase, biomineralization associated; plus strand). Cytogenetic location: 1p36.12.
Variant type: Insertion.
Coding change: c.907_908insCACG on transcript NM_000478.6 (MANE Select); coding-DNA positions 907 to 908, CACG inserted.
Protein change: p.Asn303fs; shifts the reading frame from asparagine 303.
Molecular consequence: frameshift variant.
Genome position: GRCh38 VCF-style: chr1-21573709-A-ACACG. GRCh37 (hg19) VCF-style: chr1-21900202-A-ACACG.
Other names: c.742_743insCACG, p.Asn248fs (NM_001127501.4); c.676_677insCACG, p.Asn226fs (NM_001177520.3); c.907_908insCACG, p.Asn303fs (NM_001369803.2, NM_001369804.2, NM_001369805.2); short protein forms N226fs, N248fs, N303fs.
Identifiers: ClinVar variation 1725345 (VCV001725345.3), dbSNP rs2545334663, ClinGen allele CA2580061454.